The following is an entry in ClinVar:

NM_004525.3(LRP2):c.2219CTT[1] (p.Ser741del)

Gene: LRP2 (LDL receptor related protein 2; minus strand). Cytogenetic location: 2q31.1.
Variant type: Microsatellite.
Coding change: c.2219CTT[1] on transcript NM_004525.3 (MANE Select); one copy of the 3-base unit CTT starting at c.2219; the reference has two copies in a row; one copy, 3 bases deleted.
Protein change: p.Ser741del; deletes serine 741.
Molecular consequence: inframe deletion.
Genome position (GRCh38, 1-based): chr2:169,271,000-169,271,002, AAG deleted on the plus strand (CTT on the coding strand, the reverse complement: LRP2 is on the minus strand); deleting any 3 consecutive bases within chr2:169,271,000-169,271,005 gives the same sequence; the position shown is the placement nearest the transcript's 3' end. VCF-style (leftmost placement, unchanged base first): chr2-169270999-AAAG-A. GRCh37 (hg19) VCF-style: chr2-170127509-AAAG-A.
Other names: short protein forms S741del.
Identifiers: ClinVar variation 2575590 (VCV002575590.1), dbSNP rs1183469747, ClinGen allele CA537972067.

ClinVar aggregate classification (germline): Uncertain significance (1 of 4 stars; one submission).

Submission:

GeneDx
Classification: Uncertain significance. Last evaluated: 2023-02-14. Review status: criteria provided, single submitter. Criteria: GeneDx Variant Classification Process June 2021. Collection method: clinical testing. Allele origin: germline. Affected: yes.
Comment: Not observed at significant frequency in large population cohorts (gnomAD); In-frame deletion of 1 amino acid in a non-repeat region; In silico analysis supports a deleterious effect on protein structure/function; Has not been previously published as pathogenic or benign to our knowledge